The following is an entry in ClinVar:

ClinVar aggregate classification (germline): Uncertain significance (1 of 4 stars; one submission).

Submission:

GeneDx
Classification: Uncertain significance. Last evaluated: 2024-11-20. Review status: criteria provided, single submitter. Criteria: GeneDx Variant Classification Process June 2021. Collection method: clinical testing. Allele origin: germline. Affected: yes.
Comment: Not observed at significant frequency in large population cohorts (gnomAD); In silico analysis supports that this missense variant has a deleterious effect on protein structure/function; Has not been previously published as pathogenic or benign to our knowledge

NM_001374828.1(ARID1B):c.6457A>C (p.Asn2153His)

Gene: ARID1B (AT-rich interaction domain 1B; plus strand). Cytogenetic location: 6q25.3.
Variant type: single nucleotide variant.
Coding change: c.6457A>C on transcript NM_001374828.1 (MANE Select); coding-DNA position 6457, A replaced by C.
Protein change: p.Asn2153His; replaces asparagine 2153 with histidine.
Molecular consequence: missense variant.
Genome position (GRCh38, 1-based): chr6:157,207,229, A>C. VCF-style: chr6-157207229-A-C. GRCh37 (hg19) VCF-style: chr6-157528363-A-C.
Other names: c.3958A>C, p.Asn1320His (NM_001363725.2); c.6337A>C, p.Asn2113His (NM_001371656.1, NM_001374820.1); c.6298A>C, p.Asn2100His (NM_017519.3); c.6088A>C (NM_020732.3); short protein forms N1320H, N2100H, N2113H, N2153H.
Identifiers: ClinVar variation 3900515 (VCV003900515.1).
Genomic context (GRCh38, chr6:157,207,229, plus strand): 5'-GATGAGTGGTGGTGGGACTGCCTCGAGGTCTTGAGGGATAACACGTTGGTCACGTTGGCC[A>C]ACATTTCCGGGCAGCTAGACTTGTCTGCTTACACGGAAAGCATCTGCTTGCCAATTTTGG-3'
Protein context (NP_001361757.1, residues 2143-2163): LRDNTLVTLA[Asn2153His]ISGQLDLSAY